The following is an entry in ClinVar:

NM_001130004.2(ACTN1):c.2626C>T (p.Pro876Ser)

Gene: ACTN1 (actinin alpha 1; minus strand). Cytogenetic location: 14q24.1.
Variant type: single nucleotide variant.
Coding change: c.2626C>T on transcript NM_001130004.2 (MANE Select); coding-DNA position 2626, C replaced by T.
Protein change: p.Pro876Ser; replaces proline 876 with serine.
Molecular consequence: missense variant.
Genome position (GRCh38, 1-based): chr14:68,874,978, G>A on the plus strand (C>T on the coding strand, the complement: ACTN1 is on the minus strand). VCF-style: chr14-68874978-G-A. GRCh37 (hg19) VCF-style: chr14-69341695-G-A.
Other names: c.2545C>T, p.Pro849Ser (NM_001130005.2); c.2569C>T, p.Pro857Ser (NM_001411035.1); c.2365C>T, p.Pro789Ser (NM_001411036.1, NM_001424026.1); c.2689C>T, p.Pro897Ser (NM_001424012.1); c.2686C>T, p.Pro896Ser (NM_001424013.1); c.2674C>T, p.Pro892Ser (NM_001424014.1); c.2647C>T, p.Pro883Ser (NM_001424015.1); c.2584C>T, p.Pro862Ser (NM_001424016.1); and 14 more; short protein forms P788S, P831S, P897S, P579S, P828S, P853S, P857S, P883S.
Identifiers: ClinVar variation 2781111 (VCV002781111.3), dbSNP rs200346938, ClinGen allele CA7241897.

ClinVar aggregate classification (germline): Uncertain significance (1 of 4 stars; one submission).

Allele frequency attached by ClinVar (database versions not stated): ExAC 0.00001; gnomAD 0.00001; 1000 Genomes Project 0.00020; 1000 Genomes Project 30x 0.00031.
gnomAD v4.1: 3 of 1,613,806 alleles (0.00019%); highest among the groups gnomAD compares: African/African-American, 0.0013%; no homozygotes.

Submission:

Labcorp Genetics (formerly Invitae), Labcorp
Classification: Uncertain significance. Last evaluated: 2023-07-06. Review status: criteria provided, single submitter. Criteria: Invitae Variant Classification Sherloc (09022015). Collection method: clinical testing. Allele origin: germline.
Comment: This sequence change replaces proline, which is neutral and non-polar, with serine, which is neutral and polar, at codon 876 of the ACTN1 protein (p.Pro876Ser). In summary, the available evidence is currently insufficient to determine the role of this variant in disease. Therefore, it has been classified as a Variant of Uncertain Significance. An algorithm developed to predict the effect of missense changes on protein structure and function (PolyPhen-2) suggests that this variant is likely to be disruptive. This variant has not been reported in the literature in individuals affected with ACTN1-related conditions. The frequency data for this variant in the population databases is considered unreliable, as metrics indicate poor data quality at this position in the gnomAD database.